The following is an entry in ClinVar:

NM_002335.4(LRP5):c.2939A>G (p.Lys980Arg)

Gene: LRP5 (LDL receptor related protein 5; plus strand). Cytogenetic location: 11q13.2.
Variant type: single nucleotide variant.
Coding change: c.2939A>G on transcript NM_002335.4 (MANE Select); coding-DNA position 2939, A replaced by G.
Protein change: p.Lys980Arg; replaces lysine 980 with arginine.
Molecular consequence: missense variant.
Genome position (GRCh38, 1-based): chr11:68,416,439, A>G. VCF-style: chr11-68416439-A-G. GRCh37 (hg19) VCF-style: chr11-68183907-A-G.
Other names: c.1196A>G, p.Lys399Arg (NM_001291902.2); short protein forms K399R, K980R.
Identifiers: ClinVar variation 3003939 (VCV003003939.3), dbSNP rs2098662588, ClinGen allele CA381619861.

ClinVar aggregate classification (germline): Uncertain significance (1 of 4 stars; one submission).

Allele frequency attached by ClinVar (database versions not stated): gnomAD exomes below 0.00001; TOPMed below 0.00001.
gnomAD v4.1: 2 of 1,614,170 alleles (0.00012%); highest among the groups gnomAD compares: Non-Finnish European, 0.00017%; no homozygotes.

Submission:

Labcorp Genetics (formerly Invitae), Labcorp
Classification: Uncertain significance. Last evaluated: 2023-12-20. Review status: criteria provided, single submitter. Criteria: Invitae Variant Classification Sherloc (09022015). Collection method: clinical testing. Allele origin: germline.
Comment: This sequence change replaces lysine, which is basic and polar, with arginine, which is basic and polar, at codon 980 of the LRP5 protein (p.Lys980Arg). This variant is not present in population databases (gnomAD no frequency). This variant has not been reported in the literature in individuals affected with LRP5-related conditions. Advanced modeling of protein sequence and biophysical properties (such as structural, functional, and spatial information, amino acid conservation, physicochemical variation, residue mobility, and thermodynamic stability) performed at Invitae indicates that this missense variant is not expected to disrupt LRP5 protein function with a negative predictive value of 95%. In summary, the available evidence is currently insufficient to determine the role of this variant in disease. Therefore, it has been classified as a Variant of Uncertain Significance.